The following is an entry in ClinVar:

NM_000277.3(PAH):c.470G>A (p.Arg157Lys)

Gene: PAH (phenylalanine hydroxylase; minus strand). Cytogenetic location: 12q23.2.
Variant type: single nucleotide variant.
Coding change: c.470G>A on transcript NM_000277.3 (MANE Select); coding-DNA position 470, G replaced by A.
Protein change: p.Arg157Lys; replaces arginine 157 with lysine.
Molecular consequence: missense variant.
Genome position (GRCh38, 1-based): chr12:102,866,635, C>T on the plus strand (G>A on the coding strand, the complement: PAH is on the minus strand). VCF-style: chr12-102866635-C-T. GRCh37 (hg19) VCF-style: chr12-103260413-C-T.
Other names: NM_000277.2(PAH):c.470G>A; p.Arg157Lys; c.470G>A, p.Arg157Lys (NM_001354304.2); short protein forms R157K.
Identifiers: ClinVar variation 102690 (VCV000102690.1), dbSNP rs199475611, ClinGen allele CA229565.

ClinVar aggregate classification (germline): Likely pathogenic. Review status: reviewed by expert panel (3 of 4 stars). 2 submissions from 2 submitters: Likely pathogenic (1). 1 of the submissions does not count toward it. Last evaluated 2025-10-12.

Conditions:
Phenylketonuria (PKU). Also called: Phenylketonuria (PKU); FOLLING DISEASE; OLIGOPHRENIA PHENYLPYRUVICA; Phenylketonurias. Identifiers: Orphanet 716, MedGen C0031485, MONDO:0009861, OMIM 261600. Disease mechanism: loss of function.

Submissions (2):

ClinGen PAH Variant Curation Expert Panel
Classification: Likely pathogenic for Phenylketonuria. Last evaluated: 2025-10-12. Review status: reviewed by expert panel. Criteria: ClinGen PAH ACMG Specifications v1. Collection method: curation. Allele origin: germline. Inheritance: Autosomal recessive inheritance.
Comment: The c.470G>A (p.Arg157Lys) variant in PAH has been reported in an individual with classical PKU (BH4 deficiency excluded by analysis of urinary pterins and dihydropteridine reductase activity in erythrocytes). (PP4_Moderate; PMID: 16256386, 23932990). This variant is absent from gnomAD v4.1 (PM2_supporting). This variant has been detected in at least two individuals with PAH deficiency. Of those individuals, both were compound heterozygous for the variant and a pathogenic variant and one of those were confirmed in trans by parental testing (PMID: 16256386, 30050108, PM3). The computational predictor REVEL gives a score of 0.946, which meets the threshold of 0.932, evidence that correlates with strong impact to PAH function (PP3_Strong). In summary, this variant meets criteria to be classified as likely pathogenic for PAH. PAH-specific ACMG/AMP criteria applied: PP4_Moderate, PM2_supporting, PM3, PP3_strong.

DeBelle Laboratory for Biochemical Genetics, MUHC/MCH RESEARCH INSTITUTE
No classification provided. Review status: no classification provided. Collection method: not provided. Allele origin: not provided. Not counted in ClinVar's aggregate classification.